The following is an entry in ClinVar:

ClinVar aggregate classification (germline): Uncertain significance (1 of 4 stars; one submission).

Conditions:
Immunodeficiency 19 (IMD19). Also called: IMMUNODEFICIENCY 19, SEVERE COMBINED; SEVERE COMBINED IMMUNODEFICIENCY, T CELL-NEGATIVE, B CELL-POSITIVE, NK CELL-POSITIVE; SCID, T CELL-NEGATIVE, B CELL-POSITIVE, NK CELL-POSITIVE; CD3-DELTA DEFICIENCY. Identifiers: MedGen C3810147, MONDO:0014280, OMIM 615617.

Allele frequency attached by ClinVar (database versions not stated): gnomAD exomes below 0.00001; gnomAD 0.00001 and 0.00002; TOPMed 0.00006.
gnomAD v4.1: 10 of 1,613,534 alleles (0.00062%); highest among the groups gnomAD compares: South Asian, 0.0033%; no homozygotes.

Submission:

Labcorp Genetics (formerly Invitae), Labcorp
Classification: Uncertain significance for Immunodeficiency 19. Last evaluated: 2021-08-27. Review status: criteria provided, single submitter. Criteria: Invitae Variant Classification Sherloc (09022015). Collection method: clinical testing. Allele origin: germline.
Comment: This sequence change replaces isoleucine with threonine at codon 26 of the CD3D protein (p.Ile26Thr). The isoleucine residue is weakly conserved and there is a moderate physicochemical difference between isoleucine and threonine. This variant is not present in population databases (ExAC no frequency). This variant has not been reported in the literature in individuals affected with CD3D-related conditions. Algorithms developed to predict the effect of missense changes on protein structure and function (SIFT, PolyPhen-2, Align-GVGD) all suggest that this variant is likely to be tolerated. In summary, the available evidence is currently insufficient to determine the role of this variant in disease. Therefore, it has been classified as a Variant of Uncertain Significance.

NM_000732.6(CD3D):c.77T>C (p.Ile26Thr)

Gene: CD3D (CD3 delta subunit of T-cell receptor complex; minus strand). Cytogenetic location: 11q23.3.
Variant type: single nucleotide variant.
Coding change: c.77T>C on transcript NM_000732.6 (MANE Select); coding-DNA position 77, T replaced by C.
Protein change: p.Ile26Thr; replaces isoleucine 26 with threonine.
Molecular consequence: missense variant.
Genome position (GRCh38, 1-based): chr11:118,340,572, A>G on the plus strand (T>C on the coding strand, the complement: CD3D is on the minus strand). VCF-style: chr11-118340572-A-G. GRCh37 (hg19) VCF-style: chr11-118211287-A-G.
Other names: c.77T>C, p.Ile26Thr (NM_001040651.2); short protein forms I26T.
Identifiers: ClinVar variation 1043193 (VCV001043193.6), dbSNP rs929117843, ClinGen allele CA229522883.
Genomic context (GRCh38, chr11:118,340,572, plus strand): 5'-CCCTCTACCCATGTGATGCTGGTATTGCAATTCACAAACACTCTGTCCTCAAGTTCCTCT[A>G]TAGGTATCTTGAAGGGGCTCACTAAAGGGGAAAAAATATCACAGTTGGAGACAGCTCTTT-3'
Protein context (NP_000723.1, residues 16-36): LSQVSPFKIP[Ile26Thr]EELEDRVFVN